The following is an entry in ClinVar:

NM_004646.4(NPHS1):c.2587T>C (p.Cys863Arg)

Gene: NPHS1 (NPHS1 adhesion molecule, nephrin; minus strand). Cytogenetic location: 19q13.12.
Variant type: single nucleotide variant.
Coding change: c.2587T>C on transcript NM_004646.4 (MANE Select); coding-DNA position 2587, T replaced by C.
Protein change: p.Cys863Arg; replaces cysteine 863 with arginine.
Molecular consequence: missense variant.
Genome position (GRCh38, 1-based): chr19:35,842,200, A>G on the plus strand (T>C on the coding strand, the complement: NPHS1 is on the minus strand). VCF-style: chr19-35842200-A-G. GRCh37 (hg19) VCF-style: chr19-36333102-A-G.
Other names: short protein forms C863R.
Identifiers: ClinVar variation 1722406 (VCV001722406.1), dbSNP rs2513769124, ClinGen allele CA405391694.

ClinVar aggregate classification (germline): Pathogenic (1 of 4 stars; one submission).

Conditions:
Finnish congenital nephrotic syndrome (NPHS1). Also called: NEPHROTIC SYNDROME, TYPE 1. Identifiers: Orphanet 839, MedGen C0403399, MONDO:0009732, OMIM 256300.

Submission:

Women's Health and Genetics/Laboratory Corporation of America, LabCorp
Classification: Pathogenic for Finnish congenital nephrotic syndrome. Last evaluated: 2022-09-04. Review status: criteria provided, single submitter. Criteria: LabCorp Variant Classification Summary - May 2015. Collection method: clinical testing. Allele origin: germline.
Comment: Variant summary: NPHS1 c.2587T>C (p.Cys863Arg) results in a non-conservative amino acid change located in the Immunoglobulin subtype domain (IPR003598) of the encoded protein sequence. Five of five in-silico tools predict a damaging effect of the variant on protein function. The variant was absent in 246290 control chromosomes (gnomAD). c.2587T>C has been reported in the literature in three homozygous individuals of Moroccan descent who were affected with Congenital Nephrotic Syndrome (Machuca_2010, Berody_2019). These data indicate that the variant is very likely to be associated with disease. To our knowledge, no experimental evidence demonstrating an impact on protein function has been reported. No clinical diagnostic laboratories have submitted clinical-significance assessments for this variant to ClinVar after 2014. Based on the evidence outlined above, the variant was classified as pathogenic.

Literature cited by the submitters: PubMed 20507940; PubMed 29474669.